The following is an entry in ClinVar:

ClinVar aggregate classification (germline): Uncertain significance. Review status: criteria provided, multiple submitters, no conflicts (2 of 4 stars). 2 submissions from 2 submitters: Uncertain significance (2). Last evaluated 2021-03-30.

Conditions:
Dilated cardiomyopathy 1JJ (CMD1JJ). Identifiers: Orphanet 154, MedGen C3808935, MONDO:0014095, OMIM 615235.

Submissions (2):

Center for Genomics, Ann and Robert H. Lurie Children's Hospital of Chicago
Classification: Uncertain significance for Dilated cardiomyopathy 1JJ. Last evaluated: 2021-03-30. Review status: criteria provided, single submitter. Criteria: ACMG Guidelines, 2015. Collection method: clinical testing. Allele origin: germline.
Comment: LAMA4 NM_001105208.2 exon 2 p.Phe89del (c.266_268del): This variant has not been reported in the literature and is present in 0.06% (81/128678) of European alleles in the Genome Aggregation Database. This variant is present in ClinVar (Variation ID:191693). Evolutionary conservation and computational predictive tools for this variant are limited or unavailable. This variant represents an in-frame deletion of one amino acid at position 89 and is not predicted to alter the reading frame. However, the effect of this variant on the protein is unclear. In summary, data on this variant is insufficient for disease classification. Therefore, the clinical significance of this variant is uncertain.

Biesecker Lab/Clinical Genomics Section, National Institutes of Health
Classification: Uncertain significance. Last evaluated: 2013-06-24. Review status: criteria provided, single submitter. Criteria: Ng et al. (Circ Cardiovasc Genet. 2013). Collection method: research. Allele origin: unknown. Observed: 1 variant allele. Study: ClinSeq.
Comment: The study set was not selected for affection status in relation to any cancer. Pathogenicity categories were based on literature curation. See Pubmed ID:23861362 for details.

Medical sequencing

NM_001105206.3(LAMA4):c.195+71_195+73del

Genes: LAMA4 (laminin subunit alpha 4; minus strand), LAMA4-AS1 (LAMA4 antisense RNA 1; plus strand). Cytogenetic location: 6q21.
Variant type: Deletion.
Coding change: c.195+71_195+73del on transcript NM_001105206.3 (MANE Select); bases 71 to 73 of the intron after coding-DNA position 195, 3 bases deleted (TCT; older notation c.195+71_195+73delTCT).
Molecular consequence: intron variant. On other transcripts: inframe deletion (2).
Genome position (GRCh38, 1-based): chr6:112,253,883-112,253,885, AGA deleted on the plus strand (TCT on the coding strand, the reverse complement: LAMA4 is on the minus strand); deleting any 3 consecutive bases within chr6:112,253,883-112,253,887 gives the same sequence; the c. name uses the placement nearest the transcript's 3' end. VCF-style (leftmost placement, unchanged base first): chr6-112253882-GAGA-G. GRCh37 (hg19) VCF-style: chr6-112575084-GAGA-G.
Other names: c.266_268del, p.Phe89del (NM_001105208.3, NM_001105209.3); c.195+71_195+73del (NM_002290.5, NM_001105207.3); short protein forms F89del.
Identifiers: ClinVar variation 191693 (VCV000191693.2), dbSNP rs786205414, ClinGen allele CA237284.
Genomic context (GRCh38, chr6:112,253,882, plus strand): 5'-ACTGACCTAGCCCAGGTGAAACTCTCAAGGCACTGGGGAGAGGAAAGAGGCGGAGAGAGA[GAGA>G]AGGACGAGTGTGGCACAGCCCGCGGGGGCGCAGGTGCCCCAGCAGGGTGGCAATGGCAGG-3'